The following is an entry in ClinVar:

NM_000540.3(RYR1):c.4282A>C (p.Asn1428His)

Gene: RYR1 (ryanodine receptor 1; plus strand). Cytogenetic location: 19q13.2.
Variant type: single nucleotide variant.
Coding change: c.4282A>C on transcript NM_000540.3 (MANE Select); coding-DNA position 4282, A replaced by C.
Protein change: p.Asn1428His; replaces asparagine 1428 with histidine.
Molecular consequence: missense variant.
Genome position (GRCh38, 1-based): chr19:38,475,439, A>C. VCF-style: chr19-38475439-A-C. GRCh37 (hg19) VCF-style: chr19-38966079-A-C.
Other names: c.4282A>C, p.Asn1428His (NM_001042723.2); short protein forms N1428H.
Identifiers: ClinVar variation 3074048 (VCV003074048.1), dbSNP rs1256329279, ClinGen allele CA405644709.
Genomic context (GRCh38, chr19:38,475,439, plus strand): 5'-CCCCGACTCCCTCACGACGTGGTGCCTGCAGACAACCGCGATGACCCCGAGATCATCCTC[A>C]ACACCACCACGGTGTGGACCAGTAACCCTCAATTTTGGGGTCCCCCCGCATAGCATAGGC-3'
Protein context (NP_000531.2, residues 1418-1438): DNRDDPEIIL[Asn1428His]TTTYYYSVRV

ClinVar aggregate classification (germline): Uncertain significance (1 of 4 stars; one submission).

Conditions:
Malignant hyperthermia, susceptibility to, 1 (MHS1). Also called: Anesthesia related hyperthermia; Malignant hyperpyrexia; Fulminating hyperpyrexia; Pharmacogenic myopathy; RYR1-Related Malignant Hyperthermia Susceptibility; Malignant hyperthermia suceptibility 1. Identifiers: Orphanet 423, MedGen C2930980, MONDO:0007783, OMIM 145600.

Allele frequency attached by ClinVar (database versions not stated): gnomAD exomes below 0.00001; TOPMed below 0.00001; gnomAD 0.00001.
gnomAD v4.1: 4 of 1,613,628 alleles (0.00025%); highest among the groups gnomAD compares: African/African-American, 0.004%; no homozygotes.

Submission:

All of Us Research Program, National Institutes of Health
Classification: Uncertain significance for Malignant hyperthermia, susceptibility to, 1. Last evaluated: 2023-10-23. Review status: criteria provided, single submitter. Criteria: ACMG Guidelines, 2015. Collection method: clinical testing. Allele origin: germline. Inheritance: Autosomal dominant inheritance. Observed: 1 variant allele, 1 heterozygote.
Comment: This missense variant replaces asparagine with histidine at codon 1428 of the RYR1 protein. Computational prediction suggests that this variant may not impact protein structure and function (internally defined REVEL score threshold <= 0.5, PMID: 27666373). To our knowledge, functional studies have not been reported for this variant. This variant has not been reported in individuals affected with RYR1-related disorders in the literature. This variant has been identified in 1/31382 chromosomes in the general population by the Genome Aggregation Database (gnomAD). The available evidence is insufficient to determine the role of this variant in disease conclusively. Therefore, this variant is classified as a Variant of Uncertain Significance.

This study involves interpretation of variants in research participants for the purpose of population health screening. Participant phenotype was not available at the time of variant classification. Additional details can be found in publication PMID: 35346344, PMCID: PMC8962531